The following is an entry in ClinVar:

ClinVar aggregate classification (germline): Uncertain significance (1 of 4 stars; one submission).

Submission:

GeneDx
Classification: Uncertain significance. Last evaluated: 2026-03-30. Review status: criteria provided, single submitter. Criteria: GeneDx Variant Classification Process June 2021. Collection method: clinical testing. Allele origin: germline.
Comment: Not observed at significant frequency in large population cohorts (gnomAD); In silico analysis supports that this missense variant has a deleterious effect on protein structure/function; Has not been previously published as pathogenic or benign to our knowledge

NM_013291.3(CPSF1):c.3553G>C (p.Ala1185Pro)

Gene: CPSF1 (cleavage and polyadenylation specific factor 1; minus strand). Cytogenetic location: 8q24.3.
Variant type: single nucleotide variant.
Coding change: c.3553G>C on transcript NM_013291.3 (MANE Select); coding-DNA position 3553, G replaced by C.
Protein change: p.Ala1185Pro; replaces alanine 1185 with proline.
Molecular consequence: missense variant.
Genome position (GRCh38, 1-based): chr8:144,394,658, C>G on the plus strand (G>C on the coding strand, the complement: CPSF1 is on the minus strand). VCF-style: chr8-144394658-C-G. GRCh37 (hg19) VCF-style: chr8-145619873-C-G.
Other names: short protein forms A1185P.
Identifiers: ClinVar variation 5017563 (VCV005017563.1).